The following is an entry in ClinVar:

ClinVar aggregate classification (germline): Likely benign (1 of 4 stars; one submission).

Allele frequency attached by ClinVar (database versions not stated): TOPMed 0.01136; 1000 Genomes Project 0.01218; 1000 Genomes Project 30x 0.01234.
gnomAD v4.1: 1,550 of 152,140 alleles (1%); highest among the groups gnomAD compares: African/African-American, 3.4%; 21 homozygotes.

Submission:

GeneDx
Classification: Likely benign. Last evaluated: 2018-06-14. Review status: criteria provided, single submitter. Criteria: GeneDx Variant Classification (06012015). Collection method: clinical testing. Allele origin: germline. Affected: yes.
Comment: This variant is considered likely benign or benign based on one or more of the following criteria: it is a conservative change, it occurs at a poorly conserved position in the protein, it is predicted to be benign by multiple in silico algorithms, and/or has population frequency not consistent with disease.

NM_004519.4(KCNQ3):c.1568+326G>A

Gene: KCNQ3 (potassium voltage-gated channel subfamily Q member 3; minus strand). Cytogenetic location: 8q24.22.
Variant type: single nucleotide variant.
Coding change: c.1568+326G>A on transcript NM_004519.4 (MANE Select); 326 bases into the intron after coding-DNA position 1568, G replaced by A.
Molecular consequence: intron variant.
Genome position (GRCh38, 1-based): chr8:132,139,750, C>T on the plus strand (G>A on the coding strand, the complement: KCNQ3 is on the minus strand). VCF-style: chr8-132139750-C-T. GRCh37 (hg19) VCF-style: chr8-133151997-C-T.
Other names: c.1208+326G>A (NM_001204824.2).
Identifiers: ClinVar variation 672349 (VCV000672349.1), dbSNP rs77010329, ClinGen allele CA185432497.
Genomic context (GRCh38, chr8:132,139,750, plus strand): 5'-TGGATGAAGTTAGGCAGAAGAAAAACCATTTTGAGCAAGAAGCCTCTACAGGAAGAAAAC[C>T]CTCCACTCTGACACCCTTTAAAATACATGGTAGTTACAGACAGAGCAGAACATAGCAGGT-3'